The following is an entry in ClinVar:

ClinVar aggregate classification (germline): Likely benign (1 of 4 stars; one submission).

Allele frequency attached by ClinVar (database versions not stated): gnomAD 0.01184 and 0.01264; TOPMed 0.01328; 1000 Genomes Project 0.01358; 1000 Genomes Project 30x 0.01655.
gnomAD v4.1: 1,781 of 152,098 alleles (1.2%); highest among the groups gnomAD compares: African/African-American, 4%; 28 homozygotes.

Submission:

GeneDx
Classification: Likely benign. Last evaluated: 2018-06-16. Review status: criteria provided, single submitter. Criteria: GeneDx Variant Classification (06012015). Collection method: clinical testing. Allele origin: germline. Affected: yes.
Comment: This variant is considered likely benign or benign based on one or more of the following criteria: it is a conservative change, it occurs at a poorly conserved position in the protein, it is predicted to be benign by multiple in silico algorithms, and/or has population frequency not consistent with disease.

NM_001985.3(ETFB):c.376-292T>C

Gene: ETFB (electron transfer flavoprotein subunit beta; minus strand). Cytogenetic location: 19q13.41.
Variant type: single nucleotide variant.
Coding change: c.376-292T>C on transcript NM_001985.3 (MANE Select); 292 bases into the intron before coding-DNA position 376, T replaced by C.
Molecular consequence: intron variant.
Genome position (GRCh38, 1-based): chr19:51,350,683, A>G on the plus strand (T>C on the coding strand, the complement: ETFB is on the minus strand). VCF-style: chr19-51350683-A-G. GRCh37 (hg19) VCF-style: chr19-51853937-A-G.
Other names: c.649-292T>C (NM_001014763.1).
Identifiers: ClinVar variation 671105 (VCV000671105.1), dbSNP rs139913876, ClinGen allele CA309731833.